The following is an entry in ClinVar:

NM_000234.3(LIG1):c.280C>T (p.Arg94Cys)

Gene: LIG1 (DNA ligase 1; minus strand). Cytogenetic location: 19q13.33.
Variant type: single nucleotide variant.
Coding change: c.280C>T on transcript NM_000234.3 (MANE Select); coding-DNA position 280, C replaced by T.
Protein change: p.Arg94Cys; replaces arginine 94 with cysteine.
Molecular consequence: missense variant. On other transcripts: non-coding transcript variant (6).
Genome position (GRCh38, 1-based): chr19:48,157,104, G>A on the plus strand (C>T on the coding strand, the complement: LIG1 is on the minus strand). VCF-style: chr19-48157104-G-A. GRCh37 (hg19) VCF-style: chr19-48660361-G-A.
Other names: c.190C>T, p.Arg64Cys (NM_001289063.2, NM_001320971.2); c.280C>T, p.Arg94Cys (NM_001289064.2, NM_001320970.2); c.280C>T (NM_000234.2); short protein forms R64C, R94C.
Identifiers: ClinVar variation 1123896 (VCV001123896.44), dbSNP rs139413667, ClinGen allele CA9547368.
Genomic context (GRCh38, chr19:48,157,104, plus strand): 5'-AACTGTCCATGGGAGAGGTGTCAGAGAGGGAAGCATTGTTCTCAGGAGATGTGGCAGGAC[G>A]GGGCGGGGAGACCTGTGAGCAGTCCAGGGCAGGCTTCTGGAAGAGGAAAGAACAGTTCTA-3'
Protein context (NP_000225.1, residues 84-104): ALDCSQVSPP[Arg94Cys]PATSPENNAS

ClinVar aggregate classification (germline): Likely benign. Review status: criteria provided, multiple submitters, no conflicts (2 of 4 stars). 4 submissions from 4 submitters: Likely benign (4). Last evaluated 2026-01-09.

Conditions:
LIG1-related disorder. Also called: LIG1-related condition.

Allele frequency attached by ClinVar (database versions not stated): 1000 Genomes Project 30x 0.00016; 1000 Genomes Project 0.00020; ESP Exome Variant Server 0.00115; TOPMed 0.00116; gnomAD 0.00120 and 0.00125; gnomAD exomes 0.00132; ExAC 0.00143.
gnomAD v4.1: 3,110 of 1,613,552 alleles (0.19%); highest among the groups gnomAD compares: Non-Finnish European, 0.24%; 5 homozygotes.

Submissions (4):

Labcorp Genetics (formerly Invitae), Labcorp
Classification: Likely benign. Last evaluated: 2026-01-09. Review status: criteria provided, single submitter. Criteria: Invitae Variant Classification Sherloc (09022015). Collection method: clinical testing. Allele origin: germline.

CeGaT Center for Human Genetics Tuebingen
Classification: Likely benign. Last evaluated: 2025-07-01. Review status: criteria provided, single submitter. Criteria: CeGaT Center For Human Genetics Tuebingen Variant Classification Criteria Version 2. Collection method: clinical testing. Allele origin: germline. Affected: yes. Observed: 4 variant alleles.
Comment: LIG1: BP4

PreventionGenetics, part of Exact Sciences
Classification: Likely benign for LIG1-related condition. Last evaluated: 2025-04-03. Review status: criteria provided, single submitter. Criteria: ACMG Guidelines, 2015. Collection method: clinical testing. Allele origin: germline.
Comment: This variant is classified as likely benign based on ACMG/AMP sequence variant interpretation guidelines (Richards et al. 2015 PMID: 25741868, with internal and published modifications).

Blueprint Genetics
Classification: Likely benign. Last evaluated: 2024-11-20. Review status: criteria provided, single submitter. Criteria: ACMG Guidelines, 2015. Collection method: clinical testing. Allele origin: germline.